The following is an entry in ClinVar:

NM_001378454.1(ALMS1):c.2038C>T (p.Arg680Ter)

Gene: ALMS1 (ALMS1 centrosome and basal body associated protein; plus strand). Cytogenetic location: 2p13.1.
Variant type: single nucleotide variant.
Coding change: c.2038C>T on transcript NM_001378454.1 (MANE Select); coding-DNA position 2038, C replaced by T.
Protein change: p.Arg680Ter; replaces arginine 680 with a stop codon.
Molecular consequence: nonsense.
Genome position (GRCh38, 1-based): chr2:73,448,565, C>T. VCF-style: chr2-73448565-C-T. GRCh37 (hg19) VCF-style: chr2-73675692-C-T.
Other names: c.2041C>T, p.Arg681Ter (NM_015120.4); short protein forms R680*, R681*.
Identifiers: ClinVar variation 937720 (VCV000937720.22), dbSNP rs115444326, ClinGen allele CA347266364.

ClinVar aggregate classification (germline): Pathogenic. Review status: criteria provided, multiple submitters, no conflicts (2 of 4 stars). 7 submissions from 7 submitters: Pathogenic (6). 1 of the submissions does not count toward it. Last evaluated 2026-08-24.

Conditions:
Alstrom syndrome (ALMS). Identifiers: Orphanet 64, MedGen C0268425, MONDO:0008763, OMIM 203800.
ALMS1-related disorder. Also called: ALMS1-related condition.
Cardiovascular phenotype. Identifiers: MedGen CN230736.

gnomAD v4.1: 13 of 1,613,788 alleles (0.00081%); highest among the groups gnomAD compares: Admixed American, 0.01%; no homozygotes.

Submissions (7):

GeneDx
Classification: Pathogenic. Last evaluated: 2026-08-24. Review status: criteria provided, single submitter. Criteria: GeneDx Variant Classification Process June 2021. Collection method: clinical testing. Allele origin: germline.
Comment: Not observed at significant frequency in large population cohorts (gnomAD); Nonsense variant predicted to result in protein truncation or nonsense mediated decay in a gene for which loss of function is a known mechanism of disease; This variant is associated with the following publications: (PMID: 33924909, 26010121, 33410256, 35211159, 26104972, 40676683, 32503575, 41466426, 29715191)

Labcorp Genetics (formerly Invitae), Labcorp
Classification: Pathogenic for Alstrom syndrome. Last evaluated: 2025-11-17. Review status: criteria provided, single submitter. Criteria: Invitae Variant Classification Sherloc (09022015). Collection method: clinical testing. Allele origin: germline.
Comment: This sequence change creates a premature translational stop signal (p.Arg681*) in the ALMS1 gene. It is expected to result in an absent or disrupted protein product. Loss-of-function variants in ALMS1 are known to be pathogenic (PMID: 17594715). This variant is present in population databases (no rsID available, gnomAD 0.01%). This premature translational stop signal has been observed in individual(s) with Alstrom syndrome (PMID: 26010121, 29715191). This variant is also known as p.Arg679*. ClinVar contains an entry for this variant (Variation ID: 937720). For these reasons, this variant has been classified as Pathogenic.

Natera, Inc.
Classification: Pathogenic for Alstrom syndrome. Last evaluated: 2024-03-22. Review status: criteria provided, single submitter. Criteria: Natera Variant Classification Schema (03/2026). Collection method: clinical testing. Allele origin: germline.
Comment: The c.2041C>T variant in ALMS1 is a nonsense variant predicted to introduce a stop codon at amino acid 681. This variant is expected to result in nonsense mediated decay, truncation, or a dysfunctional protein product. This variant is rare in the general population with a frequency below the threshold expected for the associated phenotype(s). This variant has been observed in one or more individuals affected with the associated recessive disease, as either homozygous or compound heterozygous with a second variant (PMID: 32503575, 33410256, 35756836). Given the available evidence, this variant is classified as Pathogenic.

Blueprint Genetics
Classification: Pathogenic for ALMS1-related disorders. Last evaluated: 2022-06-10. Review status: criteria provided, single submitter. Criteria: ACMG Guidelines, 2015. Collection method: clinical testing. Allele origin: germline. Affected: yes. Observed: 3 variant alleles.

Ambry Genetics
Classification: Pathogenic for Cardiovascular phenotype. Last evaluated: 2021-09-17. Review status: criteria provided, single submitter. Criteria: Ambry Variant Classification Scheme 2023. Collection method: clinical testing. Allele origin: germline.
Comment: The p.R681* pathogenic mutation (also known as c.2041C>T), located in coding exon 8 of the ALMS1 gene, results from a C to T substitution at nucleotide position 2041. This changes the amino acid from an arginine to a stop codon within coding exon 8. This variant (also referred to as p.R679*, c.2035C<T) has been detected in the homozygous state and the compound heterozygous state with other ALMS1 variants in several individuals reported to have Alstrom syndrome or related features (Xu Y et al. Clin Genet, 2016 Apr;89:442-447; Kln&ccedil; S et al. J Pediatr Endocrinol Metab, 2018 Jun;31:681-687; Baig S et al. Orphanet J Rare Dis, 2020 06;15:139; Bettini S et al. Diagnostics (Basel), 2021 Apr;11). In addition to the clinical data presented in the literature, this alteration is expected to result in loss of function by premature protein truncation or nonsense-mediated mRNA decay. As such, this alteration is interpreted as a disease-causing mutation.

Juno Genomics, Hangzhou Juno Genomics, Inc
Classification: Pathogenic for Alstrom syndrome. Review status: criteria provided, single submitter. Criteria: ACMG Guidelines, 2015. Collection method: clinical testing. Allele origin: germline.
Comment: Absent from controls (or at extremely low frequency if recessive) in Genome Aggregation Database.;Null variant in a gene where loss of function (LOF) is a known mechanism of disease.;For recessive disorders, detected in trans with a pathogenic variant.;Patient's phenotype or family history is highly specific for a disease with a single genetic etiology.

Laboratory of Genetics in Ophthalmology, Institut Imagine
Classification: Pathogenic for Alstrom syndrome. Review status: no assertion criteria provided. Collection method: research. Allele origin: inherited. Affected: yes. Observed: 1 variant allele. Not counted in ClinVar's aggregate classification.

Literature cited by the submitters: PubMed 17594715 (cited by Labcorp Genetics (formerly Invitae), Labcorp); PubMed 26010121 (cited by 3 submitters); PubMed 29715191 (cited by Labcorp Genetics (formerly Invitae), Labcorp and Ambry Genetics); PubMed 32503575 (cited by Natera, Inc. and Ambry Genetics); PubMed 33410256 (cited by Natera, Inc.); PubMed 35756836 (cited by Natera, Inc.); PubMed 26104972 (cited by Ambry Genetics); PubMed 33924909 (cited by Ambry Genetics).